The following is an entry in ClinVar:

ClinVar aggregate classification (germline): Pathogenic/Likely pathogenic. Review status: criteria provided, multiple submitters, no conflicts (2 of 4 stars). 2 submissions from 2 submitters: Pathogenic (1); Likely pathogenic (1). Last evaluated 2025-05-27.

Conditions:
Nemaline myopathy 2 (NEM2). Also called: Nemaline myopathy 2, autosomal recessive. Identifiers: MedGen C1850569, MONDO:0009725, OMIM 256030.

gnomAD v4.1: 1 of 1,607,346 alleles (0.000062%); highest among the groups gnomAD compares: South Asian, 0.0011%; no homozygotes.

Submissions (2):

Labcorp Genetics (formerly Invitae), Labcorp
Classification: Likely pathogenic for Nemaline myopathy 2. Last evaluated: 2025-05-27. Review status: criteria provided, single submitter. Criteria: Invitae Variant Classification Sherloc (09022015). Collection method: clinical testing. Allele origin: germline.
Comment: This sequence change affects a donor splice site in intron 59 of the NEB gene. It is expected to disrupt RNA splicing. Variants that disrupt the donor or acceptor splice site typically lead to a loss of protein function (PMID: 16199547), and loss-of-function variants in NEB are known to be pathogenic (PMID: 25205138). This variant is not present in population databases (gnomAD no frequency). This variant has not been reported in the literature in individuals affected with NEB-related conditions. ClinVar contains an entry for this variant (Variation ID: 429723). Algorithms developed to predict the effect of sequence changes on RNA splicing suggest that this variant may disrupt the consensus splice site. In summary, the currently available evidence indicates that the variant is pathogenic, but additional data are needed to prove that conclusively. Therefore, this variant has been classified as Likely Pathogenic.

GeneDx
Classification: Pathogenic. Last evaluated: 2015-09-01. Review status: criteria provided, single submitter. Criteria: GeneDx Variant Classification (06012015). Collection method: clinical testing. Allele origin: germline. Affected: yes.
Comment: The c.8265+1 G>A splice site variant in the NEB gene destroys the canonical splice donor site of intron 59. It is predicted to cause abnormal gene splicing, either leading to an abnormal message that is subject to nonsense-mediated mRNA decay, or to an abnormal protein product if the message is used for protein translation. The c.8265+1 G>A variant was not observed in approximately 5,900 individuals of European and African American ancestry in the NHLBI Exome Sequencing Project, indicating it is not a common benign variant in these populations. Although this splice site variant has not been previously reported to our knowledge, other pathogenic splice site variants in the NEB gene have been reported in the Human Gene Mutation Database in association with nemaline myopathy (Stenson et al., 2014). Therefore, we interpret c.8265+1 G>A as a pathogenic variant.

Literature cited by the submitters: PubMed 16199547 (cited by Labcorp Genetics (formerly Invitae), Labcorp); PubMed 25205138 (cited by Labcorp Genetics (formerly Invitae), Labcorp).

NM_001164508.2(NEB):c.8265+1G>A

Gene: NEB (nebulin; minus strand). Cytogenetic location: 2q23.3.
Variant type: single nucleotide variant.
Coding change: c.8265+1G>A on transcript NM_001164508.2 (MANE Select); the canonical splice donor site of the intron after coding-DNA position 8265, G replaced by A.
Molecular consequence: splice donor variant.
Genome position (GRCh38, 1-based): chr2:151,642,764, C>T on the plus strand (G>A on the coding strand, the complement: NEB is on the minus strand). VCF-style: chr2-151642764-C-T. GRCh37 (hg19) VCF-style: chr2-152499278-C-T.
Other names: c.8265+1G>A (NM_004543.5, NM_001164507.2, NM_001271208.2).
Identifiers: ClinVar variation 429723 (VCV000429723.8), dbSNP rs1131691547, ClinGen allele CA348812733.